The following is an entry in ClinVar:

NM_001003800.2(BICD2):c.301G>A (p.Glu101Lys)

Gene: BICD2 (BICD cargo adaptor 2; minus strand). Cytogenetic location: 9q22.31.
Variant type: single nucleotide variant.
Coding change: c.301G>A on transcript NM_001003800.2 (MANE Select); coding-DNA position 301, G replaced by A.
Protein change: p.Glu101Lys; replaces glutamic acid 101 with lysine.
Molecular consequence: missense variant.
Genome position (GRCh38, 1-based): chr9:92,729,176, C>T on the plus strand (G>A on the coding strand, the complement: BICD2 is on the minus strand). VCF-style: chr9-92729176-C-T. GRCh37 (hg19) VCF-style: chr9-95491458-C-T.
Other names: c.301G>A, p.Glu101Lys (NM_015250.4); short protein forms E101K.
Identifiers: ClinVar variation 541286 (VCV000541286.12), dbSNP rs1554706635, ClinGen allele CA374027264.

ClinVar aggregate classification (germline): Uncertain significance. Review status: criteria provided, multiple submitters, no conflicts (2 of 4 stars). 3 submissions from 3 submitters: Uncertain significance (3). Last evaluated 2023-10-28.

Conditions:
Autosomal dominant childhood-onset proximal spinal muscular atrophy with contractures (SMALED2A). Also called: SPINAL MUSCULAR ATROPHY, LOWER EXTREMITY-PREDOMINANT, 2A, CHILDHOOD ONSET, AUTOSOMAL DOMINANT; Spinal muscular atrophy, lower extremity-predominant, 2A, autosomal dominant. Identifiers: Orphanet 363447, Orphanet 363454, MedGen C4747715, MONDO:0014121, OMIM 615290.
Inborn genetic diseases. Identifiers: MedGen C0950123, MeSH D030342.

Allele frequency attached by ClinVar (database versions not stated): gnomAD exomes 0.00001; TOPMed below 0.00001.
gnomAD v4.1: 3 of 1,614,264 alleles (0.00019%); highest among the groups gnomAD compares: Non-Finnish European, 0.00025%; no homozygotes.

Submissions (3):

Labcorp Genetics (formerly Invitae), Labcorp
Classification: Uncertain significance for Autosomal dominant childhood-onset proximal spinal muscular atrophy with contractures. Last evaluated: 2023-10-28. Review status: criteria provided, single submitter. Criteria: Invitae Variant Classification Sherloc (09022015). Collection method: clinical testing. Allele origin: germline.
Comment: This sequence change replaces glutamic acid, which is acidic and polar, with lysine, which is basic and polar, at codon 101 of the BICD2 protein (p.Glu101Lys). This variant is not present in population databases (gnomAD no frequency). This variant has not been reported in the literature in individuals affected with BICD2-related conditions. ClinVar contains an entry for this variant (Variation ID: 541286). Advanced modeling performed at Invitae incorporating data from internal and/or published experimental studies (Invitae) indicates that this missense variant is not expected to disrupt BICD2 function with a negative predictive value of 95%. In summary, the available evidence is currently insufficient to determine the role of this variant in disease. Therefore, it has been classified as a Variant of Uncertain Significance.

Ambry Genetics
Classification: Uncertain significance for Inborn genetic diseases. Last evaluated: 2023-10-11. Review status: criteria provided, single submitter. Criteria: Ambry Variant Classification Scheme 2023. Collection method: clinical testing. Allele origin: germline.

Institute for Clinical Genetics, University Hospital TU Dresden, University Hospital TU Dresden
Classification: Uncertain significance for Autosomal dominant childhood-onset proximal spinal muscular atrophy with contractures. Last evaluated: 2023-05-24. Review status: criteria provided, single submitter. Criteria: ACMG Guidelines, 2015. Collection method: clinical testing. Allele origin: germline. Affected: yes.
Comment: The variant in the BICD2 gene (NM_001003800.2:c.301G>A, p.(Glu101Lys)) is a missense change that results in an amino acid exchange at position 101 in the corresponding protein due to a base exchange at position 301 of the mRNA. This variant is listed in the ClinVar database 1 time to date as having unclear significance. Bioinformatic prediction algorithms (REVEL score 0.59) estimate the variant to be unclear for protein function. In the gnomAD database, this variant has not been found in healthy individuals to date. Empirically, the gene does not show increased sensitivity to missense variants (Z-score 2.2). According to current ACMG recommendations for variant evaluation (PMID 25741868), the criterion PM2_SUP is fulfilled, resulting in an evaluation as a variant of unclear significance (ACMG class 3).